The following is an entry in ClinVar:

ClinVar aggregate classification (germline): Benign/Likely benign. Review status: criteria provided, multiple submitters, no conflicts (2 of 4 stars). 5 submissions from 5 submitters: Benign (1); Likely benign (3). 1 of the submissions does not count toward it. Last evaluated 2026-02-01.

Conditions:
ITGB2-related disorder. Also called: ITGB2-related condition.
Leukocyte adhesion deficiency 1 (LAD1). Also called: LEUKOCYTE ADHESION DEFICIENCY, TYPE I; LAD 1; Lymphocyte function-associated antigen 1 immunodeficiency; LFA 1 immunodeficiency. Identifiers: Orphanet 2968, Orphanet 99842, MedGen C0398738, MONDO:0007293, OMIM 116920.

Allele frequency attached by ClinVar (database versions not stated): gnomAD exomes 0.00279; ExAC 0.00317; 1000 Genomes Project 30x 0.00828; 1000 Genomes Project 0.00839; ESP Exome Variant Server 0.00992; gnomAD 0.01018 and 0.01093; TOPMed 0.01171.
gnomAD v4.1: 3,219 of 1,613,094 alleles (0.2%); highest among the groups gnomAD compares: African/African-American, 3.4%; 49 homozygotes.

Submissions (5):

Labcorp Genetics (formerly Invitae), Labcorp
Classification: Benign for Leukocyte adhesion deficiency 1. Last evaluated: 2026-02-01. Review status: criteria provided, single submitter. Criteria: Invitae Variant Classification Sherloc (09022015). Collection method: clinical testing. Allele origin: germline.

Women's Health and Genetics/Laboratory Corporation of America, LabCorp
Classification: Likely benign. Last evaluated: 2026-01-23. Review status: criteria provided, single submitter. Criteria: LabCorp Variant Classification Summary - May 2015. Collection method: clinical testing. Allele origin: germline.

Illumina Laboratory Services, Illumina
Classification: Likely benign for Leukocyte adhesion deficiency 1. Last evaluated: 2017-04-27. Review status: criteria provided, single submitter. Criteria: ICSL Variant Classification Criteria 13 December 2019. Collection method: clinical testing. Allele origin: germline.
Comment: This variant was observed as part of a predisposition screen in an ostensibly healthy population. A literature search was performed for the gene, cDNA change, and amino acid change (where applicable). Publications were found based on this search. The evidence from the literature, in combination with allele frequency data from public databases where available, was sufficient to determine this variant is unlikely to cause disease. Therefore, this variant is classified as likely benign.

Breakthrough Genomics
Classification: Likely benign. Review status: criteria provided, single submitter. Criteria: ACMG Guidelines, 2015. Collection method: not provided. Allele origin: germline. Inheritance: Autosomal recessive inheritance. Affected: yes.

PreventionGenetics, part of Exact Sciences
Classification: Benign for ITGB2-related condition. Last evaluated: 2019-07-11. Review status: no assertion criteria provided. Collection method: clinical testing. Allele origin: germline. Not counted in ClinVar's aggregate classification.
Comment: This variant is classified as benign based on ACMG/AMP sequence variant interpretation guidelines (Richards et al. 2015 PMID: 25741868, with internal and published modifications).

Literature cited by the submitters: PubMed 22134107 (cited by Illumina Laboratory Services, Illumina).

NM_000211.5(ITGB2):c.1002C>T (p.Thr334=)

Gene: ITGB2 (integrin subunit beta 2; minus strand). Cytogenetic location: 21q22.3.
Variant type: single nucleotide variant.
Coding change: c.1002C>T on transcript NM_000211.5 (MANE Select); coding-DNA position 1002, C replaced by T.
Protein change: p.Thr334=; no amino-acid change (threonine 334 retained).
Molecular consequence: synonymous variant.
Genome position (GRCh38, 1-based): chr21:44,895,052, G>A on the plus strand (C>T on the coding strand, the complement: ITGB2 is on the minus strand). VCF-style: chr21-44895052-G-A. GRCh37 (hg19) VCF-style: chr21-46314967-G-A.
Other names: c.1002C>T (LRG_76t1); c.1002C>T, p.Thr334= (NM_001127491.3); c.795C>T, p.Thr265= (NM_001303238.2).
Identifiers: ClinVar variation 340160 (VCV000340160.19), dbSNP rs61737081, ClinGen allele CA10062960.